The following is an entry in ClinVar:

NM_138694.4(PKHD1):c.4142T>G (p.Val1381Gly)

Gene: PKHD1 (PKHD1 ciliary IPT domain containing fibrocystin/polyductin; minus strand). Cytogenetic location: 6p12.2.
Variant type: single nucleotide variant.
Coding change: c.4142T>G on transcript NM_138694.4 (MANE Select); coding-DNA position 4142, T replaced by G.
Protein change: p.Val1381Gly; replaces valine 1381 with glycine.
Molecular consequence: missense variant.
Genome position (GRCh38, 1-based): chr6:52,025,668, A>C on the plus strand (T>G on the coding strand, the complement: PKHD1 is on the minus strand). VCF-style: chr6-52025668-A-C. GRCh37 (hg19) VCF-style: chr6-51890466-A-C.
Other names: c.4142T>G, p.Val1381Gly (NM_170724.3); short protein forms V1381G.
Identifiers: ClinVar variation 2041132 (VCV002041132.2), dbSNP rs999483550, ClinGen allele CA3852769.

ClinVar aggregate classification (germline): Uncertain significance (1 of 4 stars; one submission).

Conditions:
Autosomal recessive polycystic kidney disease (ARPKD). Also called: AR polycystic kidney disease. Identifiers: Orphanet 731, Orphanet 8378, MedGen C0085548, MeSH D017044, MONDO:0009889.

Allele frequency attached by ClinVar (database versions not stated): ExAC 0.00001; gnomAD 0.00001; gnomAD exomes 0.00001; TOPMed 0.00001.
gnomAD v4.1: 10 of 1,614,090 alleles (0.00062%); highest among the groups gnomAD compares: African/African-American, 0.0013%; no homozygotes.

Submission:

Labcorp Genetics (formerly Invitae), Labcorp
Classification: Uncertain significance for Autosomal recessive polycystic kidney disease. Last evaluated: 2025-04-28. Review status: criteria provided, single submitter. Criteria: Invitae Variant Classification Sherloc (09022015). Collection method: clinical testing. Allele origin: germline.
Comment: This sequence change replaces valine, which is neutral and non-polar, with glycine, which is neutral and non-polar, at codon 1381 of the PKHD1 protein (p.Val1381Gly). This variant is present in population databases (no rsID available, gnomAD 0.007%). This variant has not been reported in the literature in individuals affected with PKHD1-related conditions. ClinVar contains an entry for this variant (Variation ID: 2041132). Invitae Evidence Modeling of protein sequence and biophysical properties (such as structural, functional, and spatial information, amino acid conservation, physicochemical variation, residue mobility, and thermodynamic stability) indicates that this missense variant is not expected to disrupt PKHD1 protein function with a negative predictive value of 95%. In summary, the available evidence is currently insufficient to determine the role of this variant in disease. Therefore, it has been classified as a Variant of Uncertain Significance.